The following is an entry in ClinVar:

ClinVar aggregate classification (germline): Likely benign. Review status: criteria provided, multiple submitters, no conflicts (2 of 4 stars). 2 submissions from 2 submitters: Likely benign (2). Last evaluated 2025-12-01.

Conditions:
Immunodeficiency. Identifiers: MedGen C0021051, MONDO:0021094, HP:0002721.
NFAT5-related disorder. Also called: NFAT5-related condition.

Allele frequency attached by ClinVar (database versions not stated): gnomAD exomes below 0.00001 and 0.00004; gnomAD 0.00001 and 0.00004; ExAC 0.00009; 1000 Genomes Project 0.00060; 1000 Genomes Project 30x 0.00062.
gnomAD v4.1: 9 of 1,612,320 alleles (0.00056%); highest among the groups gnomAD compares: East Asian, 0.013%; no homozygotes.

Submissions (2):

Labcorp Genetics (formerly Invitae), Labcorp
Classification: Likely benign for Immunodeficiency. Last evaluated: 2025-12-01. Review status: criteria provided, single submitter. Criteria: Invitae Variant Classification Sherloc (09022015). Collection method: clinical testing. Allele origin: germline.

PreventionGenetics, part of Exact Sciences
Classification: Likely benign for NFAT5-related condition. Last evaluated: 2025-02-27. Review status: criteria provided, single submitter. Criteria: ACMG Guidelines, 2015. Collection method: clinical testing. Allele origin: germline.
Comment: This variant is classified as likely benign based on ACMG/AMP sequence variant interpretation guidelines (Richards et al. 2015 PMID: 25741868, with internal and published modifications).

NM_138713.4(NFAT5):c.870A>G (p.Gln290=)

Gene: NFAT5 (nuclear factor of activated T cells 5; plus strand). Cytogenetic location: 16q22.1.
Variant type: single nucleotide variant.
Coding change: c.870A>G on transcript NM_138713.4 (MANE Select); coding-DNA position 870, A replaced by G.
Protein change: p.Gln290=; no amino-acid change (glutamine 290 retained).
Molecular consequence: synonymous variant.
Genome position (GRCh38, 1-based): chr16:69,653,293, A>G. VCF-style: chr16-69653293-A-G. GRCh37 (hg19) VCF-style: chr16-69687196-A-G.
Other names: c.870A>G, p.Gln290= (NM_001113178.3); c.198A>G, p.Gln66= (NM_001367709.1); c.816A>G, p.Gln272= (NM_006599.4); c.588A>G, p.Gln196= (NM_138714.4, NM_173214.3, NM_173215.3); c.588A>G (NM_138714.3).
Identifiers: ClinVar variation 1144363 (VCV001144363.10), dbSNP rs530092980, ClinGen allele CA8135436.